The following is an entry in ClinVar:

NM_001103.4(ACTN2):c.784-518del

Gene: ACTN2 (actinin alpha 2; plus strand). Cytogenetic location: 1q43.
Variant type: Deletion.
Coding change: c.784-518del on transcript NM_001103.4 (MANE Select); 518 bases into the intron before coding-DNA position 784, one base deleted (C; older notation c.784-518delC).
Molecular consequence: intron variant. On other transcripts: frameshift variant (1).
Genome position (GRCh38, 1-based): chr1:236,736,604, C deleted; the last of 5 consecutive C bases (chr1:236,736,600-236,736,604); deleting any one gives the same sequence. VCF-style (leftmost placement, unchanged base first): chr1-236736599-TC-T. GRCh37 (hg19) VCF-style: chr1-236899899-TC-T.
Other names: c.95del (NM_001278344.1); c.95del, p.Pro32fs (NM_001278344.2); c.784-518del (NM_001278343.2); short protein forms P32fs.
Identifiers: ClinVar variation 673843 (VCV000673843.10), dbSNP rs11355106, ClinGen allele CA1472943.

ClinVar aggregate classification (germline): Benign. Review status: criteria provided, multiple submitters, no conflicts (2 of 4 stars). 6 submissions from 6 submitters: Benign (3). 3 of the submissions do not count toward it. Last evaluated 2025-04-09.

Submissions (6):

Molecular Diagnostic Laboratory for Inherited Cardiovascular Disease, Montreal Heart Institute
Classification: Benign. Last evaluated: 2025-04-09. Review status: criteria provided, single submitter. Criteria: ACMG Guidelines, 2015. Collection method: clinical testing. Allele origin: germline. Affected: no.

Blueprint Genetics
Classification: Benign. Last evaluated: 2024-11-26. Review status: criteria provided, single submitter. Criteria: ACMG Guidelines, 2015. Collection method: clinical testing. Allele origin: germline.

GeneDx
Classification: Benign. Last evaluated: 2018-06-19. Review status: criteria provided, single submitter. Criteria: GeneDx Variant Classification (06012015). Collection method: clinical testing. Allele origin: germline. Affected: yes.
Comment: This variant is considered likely benign or benign based on one or more of the following criteria: it is a conservative change, it occurs at a poorly conserved position in the protein, it is predicted to be benign by multiple in silico algorithms, and/or has population frequency not consistent with disease.

Clinical Genetics, Academic Medical Center
Classification: Benign. Review status: no assertion criteria provided. Collection method: clinical testing. Allele origin: germline. Affected: yes. Study: VKGL Data-share Consensus. Not counted in ClinVar's aggregate classification.

Diagnostic Laboratory, Department of Genetics, University Medical Center Groningen
Classification: Benign. Review status: no assertion criteria provided. Collection method: clinical testing. Allele origin: germline. Affected: yes. Study: VKGL Data-share Consensus. Not counted in ClinVar's aggregate classification.

Joint Genome Diagnostic Labs from Nijmegen and Maastricht, Radboudumc and MUMC+
Classification: Benign. Review status: no assertion criteria provided. Collection method: clinical testing. Allele origin: germline. Affected: yes. Study: VKGL Data-share Consensus. Not counted in ClinVar's aggregate classification.